The following is an entry in ClinVar:

NM_020442.6(VARS2):c.2023G>C (p.Gly675Arg)

Genes: VARS2 (valyl-tRNA synthetase 2, mitochondrial; plus strand), LOC126859646 (MED14-independent group 3 enhancer GRCh37_chr6:30889690-30890889; plus strand). Cytogenetic location: 6p21.33.
Variant type: single nucleotide variant.
Coding change: c.2023G>C on transcript NM_020442.6 (MANE Select); coding-DNA position 2023, G replaced by C.
Protein change: p.Gly675Arg; replaces glycine 675 with arginine.
Molecular consequence: missense variant.
Genome position (GRCh38, 1-based): chr6:30,922,540, G>C. VCF-style: chr6-30922540-G-C. GRCh37 (hg19) VCF-style: chr6-30890317-G-C.
Other names: p.Gly705Arg; c.1603G>C, p.Gly535Arg (NM_001167733.3); c.2113G>C, p.Gly705Arg (NM_001167734.2); c.2113G>C (NM_001167734.1); short protein forms G675R, G535R, G705R.
Identifiers: ClinVar variation 1929580 (VCV001929580.3), dbSNP rs749340773, ClinGen allele CA3706122.
Genomic context (GRCh38, chr6:30,922,540, plus strand): 5'-CAGGGCCGGAAGATGAGCAAGTCCCTGGGGAATGTGCTGGACCCAAGAGACATCATCAGT[G>C]GGGTGGAGATGCAGGTGAGGACGAAGCACCCACTAGAGGGACAAGGTTTGCAGGGTTTGC-3'
Protein context (NP_065175.4, residues 665-685): NVLDPRDIIS[Gly675Arg]VEMQVLQEKL

ClinVar aggregate classification (germline): Uncertain significance. Review status: criteria provided, multiple submitters, no conflicts (2 of 4 stars). 2 submissions from 2 submitters: Uncertain significance (2). Last evaluated 2023-10-11.

Allele frequency attached by ClinVar (database versions not stated): TOPMed 0.00001; ExAC 0.00002.
gnomAD v4.1: 17 of 1,565,544 alleles (0.0011%); highest among the groups gnomAD compares: Admixed American, 0.013%; no homozygotes.

Submissions (2):

Mayo Clinic Laboratories, Mayo Clinic
Classification: Uncertain significance. Last evaluated: 2023-10-11. Review status: criteria provided, single submitter. Criteria: ACMG Guidelines, 2015. Collection method: clinical testing. Allele origin: germline. Observed: 1 variant allele.

Labcorp Genetics (formerly Invitae), Labcorp
Classification: Uncertain significance. Last evaluated: 2022-01-10. Review status: criteria provided, single submitter. Criteria: Invitae Variant Classification Sherloc (09022015). Collection method: clinical testing. Allele origin: germline.
Comment: This sequence change replaces glycine, which is neutral and non-polar, with arginine, which is basic and polar, at codon 705 of the VARS2 protein (p.Gly705Arg). This variant is present in population databases (rs749340773, gnomAD 0.02%). This variant has not been reported in the literature in individuals affected with VARS2-related conditions. Algorithms developed to predict the effect of missense changes on protein structure and function are either unavailable or do not agree on the potential impact of this missense change (SIFT: "Deleterious"; PolyPhen-2: "Probably Damaging"; Align-GVGD: "Class C15"). In summary, the available evidence is currently insufficient to determine the role of this variant in disease. Therefore, it has been classified as a Variant of Uncertain Significance.